The following is an entry in ClinVar:

NM_014236.4(GNPAT):c.-44C>T

Gene: GNPAT (glyceronephosphate O-acyltransferase; plus strand). Cytogenetic location: 1q42.2.
Variant type: single nucleotide variant.
Coding change: c.-44C>T on transcript NM_014236.4 (MANE Select); 44 bases upstream of the start codon, C replaced by T.
Molecular consequence: 5 prime UTR variant.
Genome position (GRCh38, 1-based): chr1:231,241,335, C>T. VCF-style: chr1-231241335-C-T. GRCh37 (hg19) VCF-style: chr1-231377081-C-T.
Other names: c.-44C>T (NM_001316350.2).
Identifiers: ClinVar variation 296108 (VCV000296108.8), dbSNP rs518686, ClinGen allele CA1451679.

ClinVar aggregate classification (germline): Benign. Review status: criteria provided, multiple submitters, no conflicts (2 of 4 stars). 4 submissions from 4 submitters: Benign (4). Last evaluated 2021-08-10.

Conditions:
Rhizomelic chondrodysplasia punctata type 2 (RCDP2). Also called: DIHYDROXYACETONEPHOSPHATE ACYLTRANSFERASE DEFICIENCY; glyceronephosphate O-acyltransferase (GNPAT) deficiency; Glyceronephosphate O-acyltransferase deficiency; DHAPAT DEFICIENCY; PEROXISOMAL DIHYDROXYACETONEPHOSPHATE ACYLTRANSFERASE DEFICIENCY; Chondrodysplasia punctata, rhizomelic, due to dihydroxyacetonephosphate acyltransferase deficiency. Identifiers: Orphanet 177, Orphanet 309796, MedGen C1857242, MONDO:0100273, OMIM 222765. Disease mechanism: loss of function.

Allele frequency attached by ClinVar (database versions not stated): gnomAD 0.54529 and 0.54927; ESP Exome Variant Server 0.55090; 1000 Genomes Project 30x 0.58089; ExAC 0.54901; gnomAD exomes 0.55425 and 0.55279; TOPMed 0.56092; 1000 Genomes Project 0.58187.
gnomAD v4.1: 847,811 of 1,533,732 alleles (55%); highest among the groups gnomAD compares: South Asian, 62%; 236,756 homozygotes.

Submissions (4):

Genome-Nilou Lab
Classification: Benign for Rhizomelic chondrodysplasia punctata type 2. Last evaluated: 2021-08-10. Review status: criteria provided, single submitter. Criteria: ACMG Guidelines, 2015. Collection method: clinical testing. Allele origin: germline. Affected: no.

Illumina Laboratory Services, Illumina
Classification: Benign for Rhizomelic chondrodysplasia punctata type 2. Last evaluated: 2018-01-13. Review status: criteria provided, single submitter. Criteria: ICSL Variant Classification Criteria 13 December 2019. Collection method: clinical testing. Allele origin: germline.
Comment: This variant was observed in the ICSL laboratory as part of a predisposition screen in an ostensibly healthy population. It had not been previously curated by ICSL or reported in the Human Gene Mutation Database (HGMD: prior to June 1st, 2018), and was therefore a candidate for classification through an automated scoring system. Utilizing variant allele frequency, disease prevalence and penetrance estimates, and inheritance mode, an automated score was calculated to assess if this variant is too frequent to cause the disease. Based on the score and internal cut-off values, a variant classified as benign is not then subjected to further curation. The score for this variant resulted in a classification of benign for this disease.

GeneDx
Classification: Benign. Last evaluated: 2016-03-03. Review status: criteria provided, single submitter. Criteria: GeneDx Variant Classification (06012015). Collection method: clinical testing. Allele origin: germline. Affected: yes.
Comment: This variant is considered likely benign or benign based on one or more of the following criteria: it is a conservative change, it occurs at a poorly conserved position in the protein, it is predicted to be benign by multiple in silico algorithms, and/or has population frequency not consistent with disease.

Breakthrough Genomics
Classification: Benign. Review status: criteria provided, single submitter. Criteria: ACMG Guidelines, 2015. Collection method: not provided. Allele origin: germline. Inheritance: Autosomal recessive inheritance. Affected: yes.